The following is an entry in ClinVar:

NM_015909.4(NBAS):c.1098C>G (p.Asp366Glu)

Gene: NBAS (NBAS subunit of NRZ tethering complex; minus strand). Cytogenetic location: 2p24.3.
Variant type: single nucleotide variant.
Coding change: c.1098C>G on transcript NM_015909.4 (MANE Select); coding-DNA position 1098, C replaced by G.
Protein change: p.Asp366Glu; replaces aspartic acid 366 with glutamic acid.
Molecular consequence: missense variant. On other transcripts: non-coding transcript variant (1).
Genome position (GRCh38, 1-based): chr2:15,478,275, G>C on the plus strand (C>G on the coding strand, the complement: NBAS is on the minus strand). VCF-style: chr2-15478275-G-C. GRCh37 (hg19) VCF-style: chr2-15618399-G-C.
Other names: short protein forms D366E.
Identifiers: ClinVar variation 4812086 (VCV004812086.1).
Genomic context (GRCh38, chr2:15,478,275, plus strand): 5'-GTAGAACTCACCTTTGATTTTTTTTCTCTTCTCAGTAGAGAGCCTCCAATCAGGATTAAG[G>C]TCATCATAGCCTGGCTAAATATGAAAATAATGACTTCCTGAGTGAACTATGTAAGAAAAT-3'
Protein context (NP_056993.2, residues 356-376): WGQNEQPGYD[Asp366Glu]LNPDWRLSTE

ClinVar aggregate classification (germline): Uncertain significance (1 of 4 stars; one submission).

gnomAD v4.1: 9 of 1,611,146 alleles (0.00056%); highest among the groups gnomAD compares: Non-Finnish European, 0.00076%; no homozygotes.

Submission:

Labcorp Genetics (formerly Invitae), Labcorp
Classification: Uncertain significance. Last evaluated: 2025-03-04. Review status: criteria provided, single submitter. Criteria: Invitae Variant Classification Sherloc (09022015). Collection method: clinical testing. Allele origin: germline.
Comment: This sequence change replaces aspartic acid, which is acidic and polar, with glutamic acid, which is acidic and polar, at codon 366 of the NBAS protein (p.Asp366Glu). This variant is not present in population databases (gnomAD no frequency). This variant has not been reported in the literature in individuals affected with NBAS-related conditions. Invitae Evidence Modeling of protein sequence and biophysical properties (such as structural, functional, and spatial information, amino acid conservation, physicochemical variation, residue mobility, and thermodynamic stability) indicates that this missense variant is not expected to disrupt NBAS protein function with a negative predictive value of 95%. In summary, the available evidence is currently insufficient to determine the role of this variant in disease. Therefore, it has been classified as a Variant of Uncertain Significance.